The following is an entry in ClinVar:

NM_000038.6(APC):c.4668T>G (p.Thr1556=)

Gene: APC (APC regulator of Wnt signaling pathway; plus strand). Cytogenetic location: 5q22.2.
Variant type: single nucleotide variant.
Coding change: c.4668T>G on transcript NM_000038.6 (MANE Select); coding-DNA position 4668, T replaced by G.
Protein change: p.Thr1556=; no amino-acid change (threonine 1556 retained).
Molecular consequence: synonymous variant.
Genome position (GRCh38, 1-based): chr5:112,840,262, T>G. VCF-style: chr5-112840262-T-G. GRCh37 (hg19) VCF-style: chr5-112175959-T-G.
Other names: c.4668T>G, p.Thr1556= (NM_001127510.3, NM_001354895.2); c.4614T>G, p.Thr1538= (NM_001127511.3); c.4722T>G, p.Thr1574= (NM_001354896.2); c.4698T>G, p.Thr1566= (NM_001354897.2); c.4593T>G, p.Thr1531= (NM_001354898.2); c.4584T>G, p.Thr1528= (NM_001354899.2); c.4545T>G, p.Thr1515= (NM_001354900.2); c.4491T>G, p.Thr1497= (NM_001354901.2); and 5 more.
Identifiers: ClinVar variation 482489 (VCV000482489.15), dbSNP rs1554086074, ClinGen allele CA446206659.

ClinVar aggregate classification (germline): Benign/Likely benign. Review status: criteria provided, multiple submitters, no conflicts (2 of 4 stars). 3 submissions from 3 submitters: Benign (1); Likely benign (2). Last evaluated 2025-06-27.

Conditions:
Familial adenomatous polyposis 1 (FAP1). Also called: FAMILIAL ADENOMATOUS POLYPOSIS 1, ATTENUATED; POLYPOSIS, ADENOMATOUS INTESTINAL. Identifiers: MedGen C2713442, MONDO:0021056, OMIM 175100. Disease mechanism: loss of function.
Hereditary cancer-predisposing syndrome. Also called: Neoplastic Syndromes, Hereditary; Tumor predisposition; Hereditary Cancer Syndrome; Hereditary neoplastic syndrome. Identifiers: Orphanet 140162, MedGen C0027672, MeSH D009386, MONDO:0015356.

Allele frequency attached by ClinVar (database versions not stated): gnomAD 0.00001.
gnomAD v4.1: 1 of 1,613,948 alleles (0.000062%); highest among the groups gnomAD compares: African/African-American, 0.0013%; no homozygotes.

Submissions (3):

Labcorp Genetics (formerly Invitae), Labcorp
Classification: Likely benign for Familial adenomatous polyposis 1. Last evaluated: 2025-06-27. Review status: criteria provided, single submitter. Criteria: Invitae Variant Classification Sherloc (09022015). Collection method: clinical testing. Allele origin: germline.

Myriad Genetics, Inc.
Classification: Benign for Familial adenomatous polyposis 1. Last evaluated: 2024-03-27. Review status: criteria provided, single submitter. Criteria: Myriad Autosomal Dominant, Autosomal Recessive and X-Linked Classification Criteria (2023). Collection method: clinical testing. Allele origin: unknown.
Comment: This variant is considered benign. This variant is a silent/synonymous amino acid change and it is not expected to impact splicing.

Ambry Genetics
Classification: Likely benign for Hereditary cancer-predisposing syndrome. Last evaluated: 2017-06-23. Review status: criteria provided, single submitter. Criteria: Ambry Variant Classification Scheme 2023. Collection method: clinical testing. Allele origin: germline.